The following is an entry in ClinVar:

ClinVar aggregate classification (germline): Uncertain significance (1 of 4 stars; one submission).

Submission:

GeneDx
Classification: Uncertain significance. Last evaluated: 2022-12-11. Review status: criteria provided, single submitter. Criteria: GeneDx Variant Classification Process June 2021. Collection method: clinical testing. Allele origin: germline. Affected: yes.
Comment: Not observed at significant frequency in large population cohorts (gnomAD); In silico analysis supports that this missense variant does not alter protein structure/function; Has not been previously published as pathogenic or benign to our knowledge

NM_007118.4(TRIO):c.757G>A (p.Ala253Thr)

Gene: TRIO (trio Rho guanine nucleotide exchange factor; plus strand). Cytogenetic location: 5p15.2.
Variant type: single nucleotide variant.
Coding change: c.757G>A on transcript NM_007118.4 (MANE Select); coding-DNA position 757, G replaced by A.
Protein change: p.Ala253Thr; replaces alanine 253 with threonine.
Molecular consequence: missense variant. On other transcripts: non-coding transcript variant (1).
Genome position (GRCh38, 1-based): chr5:14,290,932, G>A. VCF-style: chr5-14290932-G-A. GRCh37 (hg19) VCF-style: chr5-14291041-G-A.
Other names: short protein forms A253T.
Identifiers: ClinVar variation 2505743 (VCV002505743.1), dbSNP rs2532138840, ClinGen allele CA359208305.